The following is an entry in ClinVar:

NM_003190.5(TAPBP):c.908G>A (p.Arg303Gln)

Gene: TAPBP (TAP binding protein; minus strand). Cytogenetic location: 6p21.32.
Variant type: single nucleotide variant.
Coding change: c.908G>A on transcript NM_003190.5 (MANE Select); coding-DNA position 908, G replaced by A.
Protein change: p.Arg303Gln; replaces arginine 303 with glutamine.
Molecular consequence: missense variant.
Genome position (GRCh38, 1-based): chr6:33,304,599, C>T on the plus strand (G>A on the coding strand, the complement: TAPBP is on the minus strand). VCF-style: chr6-33304599-C-T. GRCh37 (hg19) VCF-style: chr6-33272376-C-T.
Other names: c.908G>A, p.Arg303Gln (NM_172208.3); c.647G>A, p.Arg216Gln (NM_172209.3); c.908G>A (NM_003190.4); short protein forms R216Q, R303Q.
Identifiers: ClinVar variation 1418127 (VCV001418127.9), dbSNP rs185298453, ClinGen allele CA3755766.

ClinVar aggregate classification (germline): Uncertain significance. Review status: criteria provided, multiple submitters, no conflicts (2 of 4 stars). 2 submissions from 2 submitters: Uncertain significance (2). Last evaluated 2024-08-27.

Conditions:
MHC class I deficiency. Identifiers: Orphanet 34592, MedGen C6024714, MONDO:0011476.

Allele frequency attached by ClinVar (database versions not stated): ExAC 0.00001; gnomAD 0.00001 and 0.00002; 1000 Genomes Project 30x 0.00016; gnomAD exomes 0.00002 and 0.00001; 1000 Genomes Project 0.00020; TOPMed 0.00003.
gnomAD v4.1: 44 of 1,589,954 alleles (0.0028%); highest among the groups gnomAD compares: African/African-American, 0.0067%; no homozygotes.

Submissions (2):

Ambry Genetics
Classification: Uncertain significance. Last evaluated: 2024-08-27. Review status: criteria provided, single submitter. Criteria: Ambry Variant Classification Scheme 2023. Collection method: clinical testing. Allele origin: germline.

Labcorp Genetics (formerly Invitae), Labcorp
Classification: Uncertain significance for MHC class I deficiency 1. Last evaluated: 2023-12-07. Review status: criteria provided, single submitter. Criteria: Invitae Variant Classification Sherloc (09022015). Collection method: clinical testing. Allele origin: germline.
Comment: This sequence change replaces arginine, which is basic and polar, with glutamine, which is neutral and polar, at codon 303 of the TAPBP protein (p.Arg303Gln). This variant is present in population databases (rs185298453, gnomAD 0.01%). This variant has not been reported in the literature in individuals affected with TAPBP-related conditions. ClinVar contains an entry for this variant (Variation ID: 1418127). An algorithm developed to predict the effect of missense changes on protein structure and function (PolyPhen-2) suggests that this variant is likely to be tolerated. In summary, the available evidence is currently insufficient to determine the role of this variant in disease. Therefore, it has been classified as a Variant of Uncertain Significance.